The following is an entry in ClinVar:

NM_000057.4(BLM):c.2860G>A (p.Asp954Asn)

Gene: BLM (BLM RecQ like helicase; plus strand). Cytogenetic location: 15q26.1.
Variant type: single nucleotide variant.
Coding change: c.2860G>A on transcript NM_000057.4 (MANE Select); coding-DNA position 2860, G replaced by A.
Protein change: p.Asp954Asn; replaces aspartic acid 954 with asparagine.
Molecular consequence: missense variant.
Genome position (GRCh38, 1-based): chr15:90,790,685, G>A. VCF-style: chr15-90790685-G-A. GRCh37 (hg19) VCF-style: chr15-91333915-G-A.
Other names: c.2860G>A, p.Asp954Asn (NM_001287246.2, NM_001287247.2); c.1735G>A, p.Asp579Asn (NM_001287248.2); short protein forms D579N, D954N.
Identifiers: ClinVar variation 1796956 (VCV001796956.4), dbSNP rs1896881815, ClinGen allele CA393846291.

ClinVar aggregate classification (germline): Uncertain significance. Review status: criteria provided, multiple submitters, no conflicts (2 of 4 stars). 2 submissions from 2 submitters: Uncertain significance (2). Last evaluated 2025-01-13.

Conditions:
Hereditary cancer-predisposing syndrome. Also called: Tumor predisposition; Hereditary Cancer Syndrome; Neoplastic Syndromes, Hereditary; Hereditary neoplastic syndrome. Identifiers: Orphanet 140162, MedGen C0027672, MeSH D009386, MONDO:0015356.

Allele frequency attached by ClinVar (database versions not stated): TOPMed below 0.00001.

Submissions (2):

GeneDx
Classification: Uncertain significance. Last evaluated: 2025-01-13. Review status: criteria provided, single submitter. Criteria: GeneDx Variant Classification Process June 2021. Collection method: clinical testing. Allele origin: germline. Affected: yes.
Comment: Not observed at significant frequency in large population cohorts (gnomAD); In silico analysis supports that this missense variant has a deleterious effect on protein structure/function; Has not been previously published as pathogenic or benign to our knowledge

Ambry Genetics
Classification: Uncertain significance for Hereditary cancer-predisposing syndrome. Last evaluated: 2024-05-04. Review status: criteria provided, single submitter. Criteria: Ambry Variant Classification Scheme 2023. Collection method: clinical testing. Allele origin: germline.
Comment: The p.D954N variant (also known as c.2860G>A), located in coding exon 14 of the BLM gene, results from a G to A substitution at nucleotide position 2860. The aspartic acid at codon 954 is replaced by asparagine, an amino acid with highly similar properties. This amino acid position is conserved. In addition, the in silico prediction for this alteration is inconclusive. Since supporting evidence is limited at this time, the clinical significance of this alteration remains unclear.